The following is an entry in ClinVar:

NM_000368.5(TSC1):c.2626-4_2626-3insTTTTTTTTTTTTTTTTTTTTTAATTAATTATTCTAGTTTT

Gene: TSC1 (TSC complex subunit 1; minus strand). Cytogenetic location: 9q34.13.
Variant type: Microsatellite.
Coding change: c.2626-4_2626-3insTTTTTTTTTTTTTTTTTTTTTAATTAATTATTCTAGTTTT on transcript NM_000368.5 (MANE Select); 4 bases into the intron before coding-DNA position 2626 through 3 bases into the intron before coding-DNA position 2626, TTTTTTTTTTTTTTTTTTTTTAATTAATTATTCTAGTTTT inserted.
Molecular consequence: intron variant.
Genome position: GRCh38: chr9:132,897,614-132,897,631. GRCh37 (hg19), VCF-style position (the base before the change): chr9:135,773,000.
Other names: c.2260-4_2260-3insTTTTTTTTTTTTTTTTTTTTTAATTAATTATTCTAGTTTT (NM_001406620.1, NM_001406621.1, NM_001406622.1 and 1 more transcripts); c.2263-4_2263-3insTTTTTTTTTTTTTTTTTTTTTAATTAATTATTCTAGTTTT (NM_001406618.1, NM_001406617.1, NM_001406619.1 and 4 more transcripts); c.2218-4_2218-3insTTTTTTTTTTTTTTTTTTTTTAATTAATTATTCTAGTTTT (NM_001406625.1); c.2428-4_2428-3insTTTTTTTTTTTTTTTTTTTTTAATTAATTATTCTAGTTTT (NM_001406613.1); c.2470-4_2470-3insTTTTTTTTTTTTTTTTTTTTTAATTAATTATTCTAGTTTT (NM_001406612.1, NM_001406611.1); c.2473-4_2473-3insTTTTTTTTTTTTTTTTTTTTTAATTAATTATTCTAGTTTT (NM_001406610.1, NM_001162427.2); c.1672-4_1672-3insTTTTTTTTTTTTTTTTTTTTTAATTAATTATTCTAGTTTT (NM_001406627.1, NM_001406628.1); c.1573-4_1573-3insTTTTTTTTTTTTTTTTTTTTTAATTAATTATTCTAGTTTT (NM_001406629.1, NM_001406630.1); and 8 more.
Identifiers: ClinVar variation 3071405 (VCV003071405.1), dbSNP rs5901000.
Genomic context (GRCh38, chr9:132,897,613, plus strand): 5'-CATGGCTTCTGTTTTTTTCTAGCTCTTTCCGATAGGCGGCTTTCATCATTTCTACTTCCT[G>GAAAAAAAAAAAAAAAAAAAAAACTAGAATAATTAATTAAA]AAAAAAAAAAAAAAAAAAGACTGGAATTAGTACTTATAAAAAATAAACATGCTGTATCCA-3'

ClinVar aggregate classification (germline): Uncertain significance (1 of 4 stars; one submission).

Conditions:
Tuberous sclerosis syndrome (TSC). Also called: Tuberous Sclerosis Complex; Tuberous sclerosis. Identifiers: Orphanet 805, MedGen C0041341, MONDO:0001734.

Submission:

All of Us Research Program, National Institutes of Health
Classification: Uncertain significance for Tuberous sclerosis syndrome. Last evaluated: 2023-05-31. Review status: criteria provided, single submitter. Criteria: ACMG Guidelines, 2015. Collection method: clinical testing. Allele origin: germline. Inheritance: Autosomal dominant inheritance. Observed: 1 variant allele, 1 heterozygote.
Comment: This study involves interpretation of variants in research participants for the purpose of population health screening. Participant phenotype was not available at the time of variant classification. Additional details can be found in publication PMID: 35346344, PMCID: PMC8962531